The following is an entry in ClinVar:

NM_145698.5(ACBD5):c.873T>G (p.His291Gln)

Gene: ACBD5 (acyl-CoA binding domain containing 5; minus strand). Cytogenetic location: 10p12.1.
Variant type: single nucleotide variant.
Coding change: c.873T>G on transcript NM_145698.5 (MANE Select); coding-DNA position 873, T replaced by G.
Protein change: p.His291Gln; replaces histidine 291 with glutamine.
Molecular consequence: missense variant.
Genome position (GRCh38, 1-based): chr10:27,215,598, A>C on the plus strand (T>G on the coding strand, the complement: ACBD5 is on the minus strand). VCF-style: chr10-27215598-A-C. GRCh37 (hg19) VCF-style: chr10-27504527-A-C.
Other names: c.768T>G, p.His256Gln (NM_001042473.4, NM_001352577.2, NM_001352578.2 and 1 more transcripts); c.867T>G, p.His289Gln (NM_001271512.3); c.546T>G, p.His182Gln (NM_001301251.2, NM_001301252.2, NM_001301253.2 and 2 more transcripts); c.342T>G, p.His114Gln (NM_001301254.2); c.927T>G, p.His309Gln (NM_001352568.1); c.906T>G, p.His302Gln (NM_001352569.1); c.873T>G, p.His291Gln (NM_001352570.1); c.900T>G, p.His300Gln (NM_001352571.1); and 11 more; short protein forms H114Q, H232Q, H238Q, H284Q, H289Q, H182Q, H234Q, H291Q.
Identifiers: ClinVar variation 966218 (VCV000966218.8), dbSNP rs769448705, ClinGen allele CA5450797.

ClinVar aggregate classification (germline): Uncertain significance. Review status: criteria provided, multiple submitters, no conflicts (2 of 4 stars). 2 submissions from 2 submitters: Uncertain significance (2). Last evaluated 2025-02-07.

Conditions:
Inborn genetic diseases. Identifiers: MedGen C0950123, MeSH D030342.

Allele frequency attached by ClinVar (database versions not stated): TOPMed 0.00002; gnomAD exomes 0.00002; gnomAD 0.00001; ExAC 0.00003.
gnomAD v4.1: 38 of 1,613,578 alleles (0.0024%); highest among the groups gnomAD compares: Non-Finnish European, 0.0026%; no homozygotes.

Submissions (2):

Ambry Genetics
Classification: Uncertain significance for Inborn genetic diseases. Last evaluated: 2025-02-07. Review status: criteria provided, single submitter. Criteria: Ambry Variant Classification Scheme 2023. Collection method: clinical testing. Allele origin: germline.

Labcorp Genetics (formerly Invitae), Labcorp
Classification: Uncertain significance. Last evaluated: 2019-10-28. Review status: criteria provided, single submitter. Criteria: Invitae Variant Classification Sherloc (09022015). Collection method: clinical testing. Allele origin: germline.
Comment: In summary, the available evidence is currently insufficient to determine the role of this variant in disease. Therefore, it has been classified as a Variant of Uncertain Significance. Algorithms developed to predict the effect of missense changes on protein structure and function are either unavailable or do not agree on the potential impact of this missense change (SIFT: "Tolerated"; PolyPhen-2: "Possibly Damaging"; Align-GVGD: "Class C0"). This variant has not been reported in the literature in individuals with ACBD5-related conditions. This variant is present in population databases (rs769448705, ExAC 0.005%). This sequence change replaces histidine with glutamine at codon 291 of the ACBD5 protein (p.His291Gln). The histidine residue is highly conserved and there is a small physicochemical difference between histidine and glutamine.